The following is an entry in ClinVar:

ClinVar aggregate classification (germline): Uncertain significance (1 of 4 stars; one submission).

Allele frequency attached by ClinVar (database versions not stated): ExAC 0.00001; gnomAD 0.00001; gnomAD exomes 0.00001.
gnomAD v4.1: 14 of 1,613,146 alleles (0.00087%); highest among the groups gnomAD compares: African/African-American, 0.0013%; no homozygotes.

Submission:

Labcorp Genetics (formerly Invitae), Labcorp
Classification: Uncertain significance. Last evaluated: 2021-07-07. Review status: criteria provided, single submitter. Criteria: Invitae Variant Classification Sherloc (09022015). Collection method: clinical testing. Allele origin: germline.
Comment: This sequence change replaces arginine with glutamine at codon 94 of the RASGRP1 protein (p.Arg94Gln). The arginine residue is moderately conserved and there is a small physicochemical difference between arginine and glutamine. This variant is present in population databases (rs773894680, ExAC 0.002%). In summary, the available evidence is currently insufficient to determine the role of this variant in disease. Therefore, it has been classified as a Variant of Uncertain Significance. Algorithms developed to predict the effect of missense changes on protein structure and function (SIFT, PolyPhen-2, Align-GVGD) all suggest that this variant is likely to be tolerated. This variant has not been reported in the literature in individuals affected with RASGRP1-related conditions.

NM_005739.4(RASGRP1):c.281G>A (p.Arg94Gln)

Gene: RASGRP1 (RAS guanyl releasing protein 1; minus strand). Cytogenetic location: 15q14.
Variant type: single nucleotide variant.
Coding change: c.281G>A on transcript NM_005739.4 (MANE Select); coding-DNA position 281, G replaced by A.
Protein change: p.Arg94Gln; replaces arginine 94 with glutamine.
Molecular consequence: missense variant.
Genome position (GRCh38, 1-based): chr15:38,526,344, C>T on the plus strand (G>A on the coding strand, the complement: RASGRP1 is on the minus strand). VCF-style: chr15-38526344-C-T. GRCh37 (hg19) VCF-style: chr15-38818545-C-T.
Other names: c.281G>A, p.Arg94Gln (NM_001128602.2, NM_001306086.2); short protein forms R94Q.
Identifiers: ClinVar variation 1503385 (VCV001503385.7), dbSNP rs773894680, ClinGen allele CA7471165.
Genomic context (GRCh38, chr15:38,526,344, plus strand): 5'-TATGTTAAAGGATATAGGGTGATAACTTTTTGGAGCAGTTCTGCAGAGGAGATGACAATT[C>T]GGTGCATGGTCAGCATGACTTGCAACAGTTGGTTACTTCGACACAGGTTTCCATCTGCAT-3'
Protein context (NP_005730.2, residues 84-104): QLLQVMLTMH[Arg94Gln]IVISSAELLQ